The following is an entry in ClinVar:

NM_000188.3(HK1):c.2678C>T (p.Ser893Phe)

Gene: HK1 (hexokinase 1; plus strand). Cytogenetic location: 10q22.1.
Variant type: single nucleotide variant.
Coding change: c.2678C>T on transcript NM_000188.3 (MANE Select); coding-DNA position 2678, C replaced by T.
Protein change: p.Ser893Phe; replaces serine 893 with phenylalanine.
Molecular consequence: missense variant.
Genome position (GRCh38, 1-based): chr10:69,401,059, C>T. VCF-style: chr10-69401059-C-T. GRCh37 (hg19) VCF-style: chr10-71160815-C-T.
Other names: c.2690C>T, p.Ser897Phe (NM_001322364.2, NM_001358263.1, NM_033497.3 and 1 more transcripts); c.2783C>T, p.Ser928Phe (NM_001322365.2); c.2594C>T, p.Ser865Phe (NM_001322366.1); c.2582C>T, p.Ser861Phe (NM_001322367.1); c.2675C>T, p.Ser892Phe (NM_033496.3); c.2642C>T, p.Ser881Phe (NM_033500.2); short protein forms S881F, S928F, S861F, S893F, S897F, S865F, S892F.
Identifiers: ClinVar variation 3544384 (VCV003544384.1).

ClinVar aggregate classification (germline): Uncertain significance (1 of 4 stars; one submission).

Conditions:
Neurodevelopmental disorder with visual defects and brain anomalies. Identifiers: MedGen C5231404, MONDO:0032807, OMIM 618547.

Submission:

Wendy Chung Laboratory, Boston Children's Hospital
Classification: Uncertain significance for Neurodevelopmental disorder with visual defects and brain anomalies. Last evaluated: 2024-12-05. Review status: criteria provided, single submitter. Criteria: ACMG Guidelines, 2015. Collection method: clinical testing. Allele origin: de novo. Inheritance: Autosomal dominant inheritance. Affected: yes. Observed: 1 heterozygote.
Comment: The c.2678C>T variant has not previously been reported in the literature; it has been deposited in ClinVar as Variant of Uncertain Significance without an affected status provided (ClinVar ID = 2300350). The c.2678C>T variant is absent from population databases (gnomAD v4.1.0, TOPMed Freeze 10, All of Us). The c.2678C>T variant is located in exon 18 of this 18-exon gene and predicted to replace an evolutionarily conserved serine amino acid with phenlyalanine at position 893 [p.(Ser893Phe)] within the hexokinase large subdomain 2 of the encoded protein. At least one in silico prediction tool is in support of damaging effect for the p.(Ser893Phe) variant; however, there are no functional studies to confirm or refute these predictions. Based on available evidence this apparently de novo heterozygous c.2678C>T:p.(Ser893Phe) variant identified in HK1 in this individual is classified as Variant of Uncertain Significance (PS2_Mod + PM2_Supp + PP3).